The following is an entry in ClinVar:

NM_001379451.1(BCORL1):c.3593A>C (p.Asp1198Ala)

Gene: BCORL1 (BCL6 corepressor like 1; plus strand). Cytogenetic location: Xq26.1.
Variant type: single nucleotide variant.
Coding change: c.3593A>C on transcript NM_001379451.1 (MANE Select); coding-DNA position 3593, A replaced by C.
Protein change: p.Asp1198Ala; replaces aspartic acid 1198 with alanine.
Molecular consequence: missense variant.
Genome position (GRCh38, 1-based): chrX:130,021,136, A>C. VCF-style: chrX-130021136-A-C. GRCh37 (hg19) VCF-style: chrX-129155111-A-C.
Other names: c.3593A>C, p.Asp1198Ala (NM_001184772.3, NM_001379450.1, NM_021946.5); short protein forms D1198A.
Identifiers: ClinVar variation 386901 (VCV000386901.2), dbSNP rs1057522636, ClinGen allele CA16608692.

ClinVar aggregate classification (germline): Uncertain significance (1 of 4 stars; one submission).

Submission:

GeneDx
Classification: Uncertain significance. Last evaluated: 2016-06-07. Review status: criteria provided, single submitter. Criteria: GeneDx Variant Classification (06012015). Collection method: clinical testing. Allele origin: germline. Affected: yes.
Comment: The D1198A variant in the BCORL1 gene has not been reported previously as a pathogenic variant, nor as a benign variant, to our knowledge. The D1198A variant was not observed in approximately 6,500 individuals of European and African American ancestry in the NHLBI Exome Sequencing Project, indicating it is not a common benign variant in these populations. The D1198A variant is a non-conservative amino acid substitution, which is likely to impact secondary protein structure as these residues differ in polarity, charge, size and/or other properties. This substitution occurs at a position where amino acids with similar properties to Aspartic acid are tolerated across species. In silico analysis is inconsistent in its predictions as to whether or not the variant is damaging to the protein structure/function. We interpret D1198A as a variant of uncertain significance.